The following is an entry in ClinVar:

NM_024649.5(BBS1):c.103dup (p.His35fs)

Gene: BBS1 (Bardet-Biedl syndrome 1; plus strand). Cytogenetic location: 11q13.2.
Variant type: Duplication.
Coding change: c.103dup on transcript NM_024649.5 (MANE Select); coding-DNA position 103, one base duplicated (C; older notation c.103dupC).
Protein change: p.His35fs; shifts the reading frame from histidine 35.
Molecular consequence: frameshift variant.
Genome position (GRCh38, 1-based): chr11:66,511,068, C duplicated; the last of 2 consecutive C bases (chr11:66,511,067-66,511,068); duplicating either gives the same sequence. VCF-style (leftmost placement, unchanged base first): chr11-66511066-T-TC. GRCh37 (hg19) VCF-style: chr11-66278537-T-TC.
Other names: short protein forms H35fs.
Identifiers: ClinVar variation 2763941 (VCV002763941.3), dbSNP rs2495728234, ClinGen allele CA2697548706.

ClinVar aggregate classification (germline): Pathogenic (1 of 4 stars; one submission).

Conditions:
Bardet-Biedl syndrome (BBS). Identifiers: Orphanet 110, MedGen C0752166, MONDO:0015229.

Submission:

Labcorp Genetics (formerly Invitae), Labcorp
Classification: Pathogenic for Bardet-Biedl syndrome. Last evaluated: 2023-09-27. Review status: criteria provided, single submitter. Criteria: Invitae Variant Classification Sherloc (09022015). Collection method: clinical testing. Allele origin: germline.
Comment: For these reasons, this variant has been classified as Pathogenic. This variant has not been reported in the literature in individuals affected with BBS1-related conditions. This variant is not present in population databases (gnomAD no frequency). This sequence change creates a premature translational stop signal (p.His35Profs*64) in the BBS1 gene. It is expected to result in an absent or disrupted protein product. Loss-of-function variants in BBS1 are known to be pathogenic (PMID: 12118255, 21520335, 27032803).

Literature cited by the submitters: PubMed 12118255; PubMed 21520335; PubMed 27032803.